The following is an entry in ClinVar:

NM_007194.4(CHEK2):c.1141A>T (p.Met381Leu)

Gene: CHEK2 (checkpoint kinase 2; minus strand). Cytogenetic location: 22q12.1.
Variant type: single nucleotide variant.
Coding change: c.1141A>T on transcript NM_007194.4 (MANE Select); coding-DNA position 1141, A replaced by T.
Protein change: p.Met381Leu; replaces methionine 381 with leucine.
Molecular consequence: missense variant.
Genome position (GRCh38, 1-based): chr22:28,695,828, T>A on the plus strand (A>T on the coding strand, the complement: CHEK2 is on the minus strand). VCF-style: chr22-28695828-T-A. GRCh37 (hg19) VCF-style: chr22-29091816-T-A.
Other names: c.1270A>T, p.Met424Leu (NM_001005735.3); c.478A>T, p.Met160Leu (NM_001257387.3); c.940A>T, p.Met314Leu (NM_001349956.3); c.1054A>T, p.Met352Leu (NM_145862.3); short protein forms M352L, M424L, M314L, M381L, M160L.
Identifiers: ClinVar variation 1403177 (VCV001403177.9), dbSNP rs375130261, ClinGen allele CA411096951.
Genomic context (GRCh38, chr22:28,695,828, plus strand): 5'-TCCCAACAGAAACAAGAACTTCAGGCGCCAAGTAGGTGGGGGTTCCACATAAGGTTCTCA[T>A]GAGAGAGGTCTCTCCCAAAATCTTGGAGTGCCCAAAATCAGTAATCTAAAATTCAGTACA-3'
Protein context (NP_009125.1, residues 371-391): HSKILGETSL[Met381Leu]RTLCGTPTYL

ClinVar aggregate classification (germline): Uncertain significance (1 of 4 stars; one submission).

Conditions:
Familial cancer of breast. Also called: hereditary breast carcinoma; BREAST CANCER, FAMILIAL; Hereditary breast cancer. Identifiers: Orphanet 227535, MedGen C0346153, MONDO:0016419, OMIM 114480. Disease mechanism: loss of function.

gnomAD v4.1: 1 of 1,613,874 alleles (0.000062%); highest among the groups gnomAD compares: Non-Finnish European, 0.000085%; no homozygotes.

Submission:

Labcorp Genetics (formerly Invitae), Labcorp
Classification: Uncertain significance for Familial cancer of breast. Last evaluated: 2021-06-28. Review status: criteria provided, single submitter. Criteria: Invitae Variant Classification Sherloc (09022015). Collection method: clinical testing. Allele origin: germline.
Comment: This variant has not been reported in the literature in individuals with CHEK2-related conditions. In summary, the available evidence is currently insufficient to determine the role of this variant in disease. Therefore, it has been classified as a Variant of Uncertain Significance. Algorithms developed to predict the effect of missense changes on protein structure and function are either unavailable or do not agree on the potential impact of this missense change (SIFT: "Deleterious"; PolyPhen-2: "Benign"; Align-GVGD: "Class C0"). This variant is not present in population databases (ExAC no frequency). This sequence change replaces methionine with leucine at codon 381 of the CHEK2 protein (p.Met381Leu). The methionine residue is highly conserved and there is a small physicochemical difference between methionine and leucine.